The following is an entry in ClinVar:

NM_001271.4(CHD2):c.88G>A (p.Gly30Ser)

Gene: CHD2 (chromodomain helicase DNA binding protein 2; plus strand). Cytogenetic location: 15q26.1.
Variant type: single nucleotide variant.
Coding change: c.88G>A on transcript NM_001271.4 (MANE Select); coding-DNA position 88, G replaced by A.
Protein change: p.Gly30Ser; replaces glycine 30 with serine.
Molecular consequence: missense variant.
Genome position (GRCh38, 1-based): chr15:92,924,346, G>A. VCF-style: chr15-92924346-G-A. GRCh37 (hg19) VCF-style: chr15-93467576-G-A.
Other names: c.88G>A, p.Gly30Ser (NM_001042572.3); short protein forms G30S.
Identifiers: ClinVar variation 2701473 (VCV002701473.3), dbSNP rs1243119782, ClinGen allele CA393895932.

ClinVar aggregate classification (germline): Uncertain significance (1 of 4 stars; one submission).

Conditions:
Developmental and epileptic encephalopathy 94 (DEE94). Also called: CHD2-Related Neurodevelopmental Disorders; Epileptic encephalopathy, childhood-onset. Identifiers: Orphanet 1942, Orphanet 2382, MedGen C3809278, MONDO:0014150, OMIM 615369.

Allele frequency attached by ClinVar (database versions not stated): gnomAD 0.00001; gnomAD exomes 0.00001.
gnomAD v4.1: 5 of 1,613,648 alleles (0.00031%); highest among the groups gnomAD compares: East Asian, 0.011%; no homozygotes.

Submission:

Labcorp Genetics (formerly Invitae), Labcorp
Classification: Uncertain significance for Developmental and epileptic encephalopathy 94. Last evaluated: 2023-12-14. Review status: criteria provided, single submitter. Criteria: Invitae Variant Classification Sherloc (09022015). Collection method: clinical testing. Allele origin: germline.
Comment: This sequence change replaces glycine, which is neutral and non-polar, with serine, which is neutral and polar, at codon 30 of the CHD2 protein (p.Gly30Ser). This variant is present in population databases (no rsID available, gnomAD 0.02%). This variant has not been reported in the literature in individuals affected with CHD2-related conditions. Advanced modeling of protein sequence and biophysical properties (such as structural, functional, and spatial information, amino acid conservation, physicochemical variation, residue mobility, and thermodynamic stability) performed at Invitae indicates that this missense variant is not expected to disrupt CHD2 protein function with a negative predictive value of 95%. In summary, the available evidence is currently insufficient to determine the role of this variant in disease. Therefore, it has been classified as a Variant of Uncertain Significance.